The following is an entry in ClinVar:

NM_001256545.2(MEGF10):c.1465G>A (p.Gly489Ser)

Gene: MEGF10 (multiple EGF like domains 10; plus strand). Cytogenetic location: 5q23.2.
Variant type: single nucleotide variant.
Coding change: c.1465G>A on transcript NM_001256545.2 (MANE Select); coding-DNA position 1465, G replaced by A.
Protein change: p.Gly489Ser; replaces glycine 489 with serine.
Molecular consequence: missense variant.
Genome position (GRCh38, 1-based): chr5:127,420,082, G>A. VCF-style: chr5-127420082-G-A. GRCh37 (hg19) VCF-style: chr5-126755774-G-A.
Other names: c.1465G>A, p.Gly489Ser (NM_001308119.2, NM_001308121.2, NM_032446.3); short protein forms G489S.
Identifiers: ClinVar variation 1472850 (VCV001472850.5), dbSNP rs1561635953, ClinGen allele CA360729893.

ClinVar aggregate classification (germline): Uncertain significance (1 of 4 stars; one submission).

Conditions:
MEGF10-related myopathy (CMYO10A). Also called: Congenital myopathy 10A, severe variant. Identifiers: Orphanet 439212, MedGen C3280679, MONDO:0013731, OMIM 614399.

Allele frequency attached by ClinVar (database versions not stated): gnomAD exomes below 0.00001 and 0.00001; TOPMed below 0.00001; gnomAD 0.00001.
gnomAD v4.1: 18 of 1,614,056 alleles (0.0011%); highest among the groups gnomAD compares: Non-Finnish European, 0.0013%; no homozygotes.

Submission:

Labcorp Genetics (formerly Invitae), Labcorp
Classification: Uncertain significance for MEGF10-related myopathy. Last evaluated: 2022-03-08. Review status: criteria provided, single submitter. Criteria: Invitae Variant Classification Sherloc (09022015). Collection method: clinical testing. Allele origin: germline.
Comment: This sequence change replaces glycine, which is neutral and non-polar, with serine, which is neutral and polar, at codon 489 of the MEGF10 protein (p.Gly489Ser). This variant is not present in population databases (gnomAD no frequency). This variant has not been reported in the literature in individuals affected with MEGF10-related conditions. Algorithms developed to predict the effect of missense changes on protein structure and function (SIFT, PolyPhen-2, Align-GVGD) all suggest that this variant is likely to be disruptive. In summary, the available evidence is currently insufficient to determine the role of this variant in disease. Therefore, it has been classified as a Variant of Uncertain Significance.